The following is an entry in ClinVar:

NM_001370298.3(FGD4):c.376C>A (p.Pro126Thr)

Gene: FGD4 (FYVE, RhoGEF and PH domain containing 4; plus strand). Cytogenetic location: 12p11.21.
Variant type: single nucleotide variant.
Coding change: c.376C>A on transcript NM_001370298.3 (MANE Select); coding-DNA position 376, C replaced by A.
Protein change: p.Pro126Thr; replaces proline 126 with threonine.
Molecular consequence: missense variant. On other transcripts: 5 prime UTR variant (8), intron variant (4).
Genome position (GRCh38, 1-based): chr12:32,576,322, C>A. VCF-style: chr12-32576322-C-A. GRCh37 (hg19) VCF-style: chr12-32729256-C-A.
Other names: c.220C>A, p.Pro74Thr (NM_001304481.2); c.-880C>A (NM_001304483.2); c.-1187C>A (NM_001304484.2); c.376C>A, p.Pro126Thr (NM_001384126.1); c.-36C>A (NM_001384127.1, NM_001384128.1, NM_001384131.1 and 3 more transcripts); c.-187-5638C>A (NM_001330374.2, NM_001330373.2, NM_001384130.1); c.48+12033C>A (NM_001370297.1); short protein forms P74T, P126T.
Identifiers: ClinVar variation 308284 (VCV000308284.48), dbSNP rs199744649, ClinGen allele CA6506547.
Genomic context (GRCh38, chr12:32,576,322, plus strand): 5'-ACAGTGCCTCCAAAGCCATTACACCTGCAGAATTCACCTTCGTCCAATATACACCAAACC[C>A]CCAGGCATAAAGCTTTACCTAGTGCAAAACCAAGGATGGAGGAAATTAAACCTGCCTCTG-3'
Protein context (NP_001357227.2, residues 116-136): NSPSSNIHQT[Pro126Thr]RHKALPSAKP

ClinVar aggregate classification (germline): Conflicting classifications of pathogenicity. Review status: criteria provided, conflicting classifications (1 of 4 stars). 4 submissions from 4 submitters: Uncertain significance (3); Likely benign (1). Last evaluated 2024-12-06.

Conditions:
Charcot-Marie-Tooth disease type 4H (CMT4H). Also called: CHARCOT-MARIE-TOOTH DISEASE, DEMYELINATING, TYPE 4H; CHARCOT-MARIE-TOOTH DISEASE, AUTOSOMAL RECESSIVE, TYPE 4H; CHARCOT-MARIE-TOOTH DISEASE, DEMYELINATING, AUTOSOMAL RECESSIVE, TYPE 4H; CHARCOT-MARIE-TOOTH NEUROPATHY, TYPE 4H. Identifiers: Orphanet 99954, MedGen C1836336, MONDO:0012250, OMIM 609311.

Allele frequency attached by ClinVar (database versions not stated): ExAC 0.00024; TOPMed 0.00030; 1000 Genomes Project 30x 0.00031; 1000 Genomes Project 0.00040.
gnomAD v4.1: 562 of 1,613,790 alleles (0.035%); highest among the groups gnomAD compares: Admixed American, 0.06%; 1 homozygote.

Submissions (4):

Athena Diagnostics
Classification: Uncertain significance. Last evaluated: 2024-12-06. Review status: criteria provided, single submitter. Criteria: Athena Diagnostics Criteria. Collection method: clinical testing. Allele origin: unknown.
Comment: Available data are insufficient to determine the clinical significance of the variant at this time. The frequency of this variant in the general population is higher than would generally be expected for pathogenic variants in this gene. Computational tools yielded predictions that this variant is unlikely to have an effect on normal RNA splicing.

CeGaT Center for Human Genetics Tuebingen
Classification: Uncertain significance. Last evaluated: 2019-09-01. Review status: criteria provided, single submitter. Criteria: CeGaT Center For Human Genetics Tuebingen Variant Classification Criteria Version 2. Collection method: clinical testing. Allele origin: germline. Affected: yes. Observed: 1 variant allele.

Illumina Laboratory Services, Illumina
Classification: Uncertain significance for Charcot-Marie-Tooth disease type 4H. Last evaluated: 2018-01-13. Review status: criteria provided, single submitter. Criteria: ICSL Variant Classification Criteria 13 December 2019. Collection method: clinical testing. Allele origin: germline.

GeneDx
Classification: Likely benign. Last evaluated: 2017-10-05. Review status: criteria provided, single submitter. Criteria: GeneDx Variant Classification (06012015). Collection method: clinical testing. Allele origin: germline. Affected: yes.
Comment: This variant is considered likely benign or benign based on one or more of the following criteria: it is a conservative change, it occurs at a poorly conserved position in the protein, it is predicted to be benign by multiple in silico algorithms, and/or has population frequency not consistent with disease.